The following is an entry in ClinVar:

NM_003640.5(ELP1):c.3856-14dup

Gene: ELP1 (elongator acetyltransferase complex subunit 1; minus strand). Cytogenetic location: 9q31.3.
Variant type: Duplication.
Coding change: c.3856-14dup on transcript NM_003640.5 (MANE Select); 14 bases into the intron before coding-DNA position 3856, one base duplicated (T; older notation c.3856-14dupT).
Molecular consequence: intron variant.
Genome position (GRCh38, 1-based): chr9:108,874,984, A duplicated on the plus strand (T on the coding strand, the reverse complement: ELP1 is on the minus strand). VCF-style (leftmost placement, unchanged base first): chr9-108874983-T-TA. GRCh37 (hg19) VCF-style: chr9-111637263-T-TA.
Other names: c.3856-14dup (LRG_251t1); c.3514-14dup (NM_001318360.2); c.2809-14dup (NM_001330749.2).
Identifiers: ClinVar variation 423036 (VCV000423036.4), dbSNP rs1554737879, ClinGen allele CA16618727.

ClinVar aggregate classification (germline): Likely benign. Review status: criteria provided, multiple submitters, no conflicts (2 of 4 stars). 2 submissions from 2 submitters: Likely benign (2). Last evaluated 2023-04-26.

Allele frequency attached by ClinVar (database versions not stated): gnomAD exomes below 0.00001.

Submissions (2):

Labcorp Genetics (formerly Invitae), Labcorp
Classification: Likely benign. Last evaluated: 2023-04-26. Review status: criteria provided, single submitter. Criteria: Invitae Variant Classification Sherloc (09022015). Collection method: clinical testing. Allele origin: germline.

GeneDx
Classification: Likely benign. Last evaluated: 2017-01-10. Review status: criteria provided, single submitter. Criteria: GeneDx Variant Classification (06012015). Collection method: clinical testing. Allele origin: germline. Affected: yes.
Comment: This variant is considered likely benign or benign based on one or more of the following criteria: it is a conservative change, it occurs at a poorly conserved position in the protein, it is predicted to be benign by multiple in silico algorithms, and/or has population frequency not consistent with disease.